The following is an entry in ClinVar:

NM_001360016.2(G6PD):c.463C>G (p.His155Asp)

Gene: G6PD (glucose-6-phosphate dehydrogenase; minus strand). Cytogenetic location: Xq28.
Variant type: single nucleotide variant.
Coding change: c.463C>G on transcript NM_001360016.2 (MANE Select); coding-DNA position 463, C replaced by G.
Protein change: p.His155Asp; replaces histidine 155 with aspartic acid.
Molecular consequence: missense variant.
Genome position (GRCh38, 1-based): chrX:154,535,190, G>C on the plus strand (C>G on the coding strand, the complement: G6PD is on the minus strand). VCF-style: chrX-154535190-G-C. GRCh37 (hg19) VCF-style: chrX-153763405-G-C.
Other names: c.553C>G, p.His185Asp (NM_000402.4); c.463C>G, p.His155Asp (NM_001042351.3); short protein forms H155D, H185D.
Identifiers: ClinVar variation 1722727 (VCV001722727.5), dbSNP rs2523270765, ClinGen allele CA415238366.

ClinVar aggregate classification (germline): Pathogenic/Likely pathogenic. Review status: criteria provided, multiple submitters, no conflicts (2 of 4 stars). 2 submissions from 2 submitters: Pathogenic (1); Likely pathogenic (1). Last evaluated 2024-03-18.

Conditions:
Anemia, nonspherocytic hemolytic, due to G6PD deficiency (CNSHA1). Also called: ANEMIA, CONGENITAL, NONSPHEROCYTIC HEMOLYTIC, 1; Class I glucose-6-phosphate dehydrogenase deficiency; Favism, susceptibility to; Hemolytic anemia due to G6PD deficiency. Identifiers: Orphanet 466026, MedGen C2720289, MONDO:0010480, OMIM 300908.

Allele frequency attached by ClinVar (database versions not stated): gnomAD exomes below 0.00001.
gnomAD v4.1: 3 of 1,211,369 alleles (0.00025%); highest among the groups gnomAD compares: Non-Finnish European, 0.00022%; no homozygotes.

Submissions (2):

Labcorp Genetics (formerly Invitae), Labcorp
Classification: Pathogenic for Anemia, nonspherocytic hemolytic, due to G6PD deficiency. Last evaluated: 2024-03-18. Review status: criteria provided, single submitter. Criteria: Invitae Variant Classification Sherloc (09022015). Collection method: clinical testing. Allele origin: germline.
Comment: This sequence change replaces histidine, which is basic and polar, with aspartic acid, which is acidic and polar, at codon 155 of the G6PD protein (p.His155Asp). This variant is not present in population databases (gnomAD no frequency). This missense change has been observed in individual(s) with G6PD deficiency (PMID: 10782016, 15223006, 33637102). This variant is also known as Acrokorinthos. ClinVar contains an entry for this variant (Variation ID: 1722727). Advanced modeling of protein sequence and biophysical properties (such as structural, functional, and spatial information, amino acid conservation, physicochemical variation, residue mobility, and thermodynamic stability) performed at Invitae indicates that this missense variant is expected to disrupt G6PD protein function with a positive predictive value of 80%. For these reasons, this variant has been classified as Pathogenic.

Dunham Lab, University of Washington
Classification: Likely pathogenic for Anemia, nonspherocytic hemolytic, due to G6PD deficiency. Last evaluated: 2022-08-12. Review status: criteria provided, single submitter. Criteria: Bayesian ACMG Guidelines, 2018. Collection method: curation. Allele origin: unknown. Affected: yes.
Comment: Decreased activity in red blood cells of hemizygote (20%) (PS3). Not observed in gnomAD (PM2). Post_P 0.949 (odds of pathogenicity 168.4, Prior_P 0.1).

Literature cited by the submitters: PubMed 10782016 (cited by Labcorp Genetics (formerly Invitae), Labcorp); PubMed 15223006 (cited by Labcorp Genetics (formerly Invitae), Labcorp and Dunham Lab, University of Washington); PubMed 33637102 (cited by Labcorp Genetics (formerly Invitae), Labcorp).